The following is an entry in ClinVar:

ClinVar aggregate classification (germline): Benign/Likely benign. Review status: criteria provided, multiple submitters, no conflicts (2 of 4 stars). 6 submissions from 6 submitters: Benign (1); Likely benign (4). 1 of the submissions does not count toward it. Last evaluated 2025-11-03.

Conditions:
Charcot-Marie-Tooth disease axonal type 2O. Also called: CHARCOT-MARIE-TOOTH NEUROPATHY, AXONAL, TYPE 2O; CHARCOT-MARIE-TOOTH DISEASE, AXONAL, AUTOSOMAL DOMINANT, TYPE 2O; Charcot-Marie-Tooth Neuropathy Type 2O; Charcot-Marie-Tooth disease, axonal, type 20. Identifiers: Orphanet 284232, MedGen C3280220, MONDO:0013644, OMIM 614228.
DYNC1H1-related disorder. Also called: DYNC1H1-related condition; DYNC1H1-related disorders. Identifiers: MedGen CN381529.
Inborn genetic diseases. Identifiers: MedGen C0950123, MeSH D030342.
Charcot-Marie-Tooth disease. Also called: Charcot-Marie-Tooth Hereditary Neuropathy; Charcot-Marie-Tooth Neuropathy. Identifiers: Orphanet 166, MedGen C0007959, MONDO:0015626.

Allele frequency attached by ClinVar (database versions not stated): ExAC 0.00007; gnomAD exomes 0.00008 and 0.00021; TOPMed 0.00008; gnomAD 0.00009; 1000 Genomes Project 30x 0.00016; 1000 Genomes Project 0.00020; ESP Exome Variant Server 0.00031.
gnomAD v4.1: 318 of 1,614,146 alleles (0.02%); highest among the groups gnomAD compares: Non-Finnish European, 0.025%; no homozygotes.

Submissions (6):

Labcorp Genetics (formerly Invitae), Labcorp
Classification: Likely benign for Charcot-Marie-Tooth disease axonal type 2O. Last evaluated: 2025-11-03. Review status: criteria provided, single submitter. Criteria: Invitae Variant Classification Sherloc (09022015). Collection method: clinical testing. Allele origin: germline.

Blueprint Genetics
Classification: Likely benign. Last evaluated: 2024-10-01. Review status: criteria provided, single submitter. Criteria: ACMG Guidelines, 2015. Collection method: clinical testing. Allele origin: germline.

GeneDx
Classification: Likely benign. Last evaluated: 2019-08-30. Review status: criteria provided, single submitter. Criteria: GeneDx Variant Classification Process June 2021. Collection method: clinical testing. Allele origin: germline. Affected: yes.

Ambry Genetics
Classification: Benign for Inborn genetic diseases. Last evaluated: 2019-03-28. Review status: criteria provided, single submitter. Criteria: Ambry Variant Classification Scheme 2023. Collection method: clinical testing. Allele origin: germline.

Molecular Genetics Laboratory, London Health Sciences Centre
Classification: Likely benign for Charcot-Marie-Tooth disease. Review status: criteria provided, single submitter. Criteria: ACMG Guidelines, 2015. Collection method: clinical testing. Allele origin: germline. Affected: yes.

PreventionGenetics, part of Exact Sciences
Classification: Likely benign for DYNC1H1-related condition. Last evaluated: 2024-09-27. Review status: no assertion criteria provided. Collection method: clinical testing. Allele origin: germline. Not counted in ClinVar's aggregate classification.
Comment: This variant is classified as likely benign based on ACMG/AMP sequence variant interpretation guidelines (Richards et al. 2015 PMID: 25741868, with internal and published modifications).

NM_001376.5(DYNC1H1):c.6535C>A (p.Arg2179=)

Gene: DYNC1H1 (dynein cytoplasmic 1 heavy chain 1; plus strand). Cytogenetic location: 14q32.31.
Variant type: single nucleotide variant.
Coding change: c.6535C>A on transcript NM_001376.5 (MANE Select); coding-DNA position 6535, C replaced by A.
Protein change: p.Arg2179=; no amino-acid change (arginine 2179 retained).
Molecular consequence: synonymous variant.
Genome position (GRCh38, 1-based): chr14:102,010,869, C>A. VCF-style: chr14-102010869-C-A. GRCh37 (hg19) VCF-style: chr14-102477206-C-A.
Identifiers: ClinVar variation 472546 (VCV000472546.19), dbSNP rs147905977, ClinGen allele CA7352633.